The following is an entry in ClinVar:

NM_001363711.2(DUOX2):c.1831+5G>C

Gene: DUOX2 (dual oxidase 2; minus strand). Cytogenetic location: 15q21.1.
Variant type: single nucleotide variant.
Coding change: c.1831+5G>C on transcript NM_001363711.2 (MANE Select); 5 bases into the intron after coding-DNA position 1831, G replaced by C.
Molecular consequence: intron variant.
Genome position (GRCh38, 1-based): chr15:45,106,827, C>G on the plus strand (G>C on the coding strand, the complement: DUOX2 is on the minus strand). VCF-style: chr15-45106827-C-G. GRCh37 (hg19) VCF-style: chr15-45399025-C-G.
Other names: c.1831+5G>C (NM_014080.5).
Identifiers: ClinVar variation 1052952 (VCV001052952.6), dbSNP rs201688711, ClinGen allele CA7538490.

ClinVar aggregate classification (germline): Uncertain significance. Review status: criteria provided, multiple submitters, no conflicts (2 of 4 stars). 2 submissions from 2 submitters: Uncertain significance (2). Last evaluated 2026-01-13.

Allele frequency attached by ClinVar (database versions not stated): gnomAD 0.00001 and 0.00002; ExAC 0.00012; TOPMed 0.00021; gnomAD exomes 0.00023.
gnomAD v4.1: 63 of 1,597,086 alleles (0.0039%); highest among the groups gnomAD compares: Admixed American, 0.11%; no homozygotes.

Submissions (2):

Labcorp Genetics (formerly Invitae), Labcorp
Classification: Uncertain significance. Last evaluated: 2026-01-13. Review status: criteria provided, single submitter. Criteria: Invitae Variant Classification Sherloc (09022015). Collection method: clinical testing. Allele origin: germline.
Comment: This sequence change falls in intron 15 of the DUOX2 gene. It does not directly change the encoded amino acid sequence of the DUOX2 protein. It affects a nucleotide within the consensus splice site. This variant is present in population databases (rs201688711, gnomAD 0.2%). This variant has not been reported in the literature in individuals affected with DUOX2-related conditions. ClinVar contains an entry for this variant (Variation ID: 1052952). Variants that disrupt the consensus splice site are a relatively common cause of aberrant splicing (PMID: 17576681, 9536098). Algorithms developed to predict the effect of sequence changes on RNA splicing suggest that this variant may disrupt the consensus splice site. In summary, the available evidence is currently insufficient to determine the role of this variant in disease. Therefore, it has been classified as a Variant of Uncertain Significance.

GeneDx
Classification: Uncertain significance. Last evaluated: 2023-03-22. Review status: criteria provided, single submitter. Criteria: GeneDx Variant Classification Process June 2021. Collection method: clinical testing. Allele origin: germline. Affected: yes.
Comment: In silico analysis supports a deleterious effect on splicing; Has not been previously published as pathogenic or benign to our knowledge

Literature cited by the submitters: PubMed 17576681 (cited by Labcorp Genetics (formerly Invitae), Labcorp); PubMed 9536098 (cited by Labcorp Genetics (formerly Invitae), Labcorp).